The following is an entry in ClinVar:

ClinVar aggregate classification (germline): Uncertain significance (1 of 4 stars; one submission).

Conditions:
Familial thoracic aortic aneurysm and aortic dissection (TAAD). Also called: Thoracic aortic aneurysms and dissections. Identifiers: Orphanet 91387, MedGen C4707243, MONDO:0019625.

Submission:

Ambry Genetics
Classification: Uncertain significance for Familial thoracic aortic aneurysm and aortic dissection. Last evaluated: 2024-01-01. Review status: criteria provided, single submitter. Criteria: Ambry Variant Classification Scheme 2023. Collection method: clinical testing. Allele origin: germline.
Comment: The p.V1178G variant (also known as c.3533T>G), located in coding exon 26 of the MYH11 gene, results from a T to G substitution at nucleotide position 3533. The valine at codon 1178 is replaced by glycine, an amino acid with dissimilar properties. This amino acid position is conserved. In addition, this alteration is predicted to be tolerated by in silico analysis. Since supporting evidence is limited at this time, the clinical significance of this alteration remains unclear.

NM_002474.3(MYH11):c.3533T>G (p.Val1178Gly)

Gene: MYH11 (myosin heavy chain 11; minus strand). Cytogenetic location: 16p13.11.
Variant type: single nucleotide variant.
Coding change: c.3533T>G on transcript NM_002474.3 (MANE Select); coding-DNA position 3533, T replaced by G.
Protein change: p.Val1178Gly; replaces valine 1178 with glycine.
Molecular consequence: missense variant.
Genome position (GRCh38, 1-based): chr16:15,732,682, A>C on the plus strand (T>G on the coding strand, the complement: MYH11 is on the minus strand). VCF-style: chr16-15732682-A-C. GRCh37 (hg19) VCF-style: chr16-15826539-A-C.
Other names: c.3554T>G, p.Val1185Gly (NM_001040113.2, NM_001040114.2); c.3533T>G, p.Val1178Gly (NM_022844.3); short protein forms V1178G, V1185G.
Identifiers: ClinVar variation 3222380 (VCV003222380.1), dbSNP rs2506170704, ClinGen allele CA394861216.
Genomic context (GRCh38, chr16:15,732,682, plus strand): 5'-CTCATCTCCTGGACCTGAGCCTCATGGGACCGCGTCTCTTCATCCAGGGCCTTCTTCAGC[A>C]CCGTCACCTCCTGCTCCCTCTTGGCCCTTGGTGGGAGGAACACAGTGAATGGCAGTTGGG-3'
Protein context (NP_002465.1, residues 1168-1188): LRAKREQEVT[Val1178Gly]LKKALDEETR